The following is an entry in ClinVar:

NM_000179.3(MSH6):c.2092dup (p.Gln698fs)

Gene: MSH6 (mutS homolog 6; plus strand). Cytogenetic location: 2p16.3.
Variant type: Duplication.
Coding change: c.2092dup on transcript NM_000179.3 (MANE Select); coding-DNA position 2092, one base duplicated (C; older notation c.2092dupC).
Protein change: p.Gln698fs; shifts the reading frame from glutamine 698.
Molecular consequence: frameshift variant.
Genome position (GRCh38, 1-based): chr2:47,800,075, C duplicated. VCF-style (leftmost placement, unchanged base first): chr2-47800074-T-TC. GRCh37 (hg19) VCF-style: chr2-48027213-T-TC.
Other names: c.1702dup, p.Gln568fs (NM_001281492.2); c.1186dup, p.Gln396fs (NM_001281493.2, NM_001281494.2); c.2092dupC (NM_000179.2); short protein forms Q568fs, Q396fs, Q698fs.
Identifiers: ClinVar variation 428356 (VCV000428356.3), dbSNP rs1114167740, ClinGen allele CA645369266.

ClinVar aggregate classification (germline): Pathogenic (1 of 4 stars; one submission).

Conditions:
Hereditary cancer-predisposing syndrome. Also called: Hereditary Cancer Syndrome; Neoplastic Syndromes, Hereditary; Hereditary neoplastic syndrome; Tumor predisposition. Identifiers: Orphanet 140162, MedGen C0027672, MeSH D009386, MONDO:0015356.

Submission:

Ambry Genetics
Classification: Pathogenic for Hereditary cancer-predisposing syndrome. Last evaluated: 2014-04-16. Review status: criteria provided, single submitter. Criteria: Ambry Autosomal Dominant and X-Linked criteria (10/2015). Collection method: clinical testing. Allele origin: germline. Observed: 1 variant allele.
Comment: The c.2092dupC pathogenic mutation, located in coding exon 4 of the MSH6 gene, results from a duplication of C at nucleotide position 2092, causing a translational frameshift with a predicted alternate stop codon. Since frameshifts are typically deleterious in nature, this alteration is interpreted as a disease-causing mutation (ACMG Recommendations for Standards for Interpretation and Reporting of Sequence Variations. Revision 2007. Genet Med. 2008;10:294).